The following is an entry in ClinVar:

ClinVar aggregate classification (germline): Uncertain significance (1 of 4 stars; one submission).

Submission:

CeGaT Center for Human Genetics Tuebingen
Classification: Uncertain significance. Last evaluated: 2022-07-01. Review status: criteria provided, single submitter. Criteria: CeGaT Center For Human Genetics Tuebingen Variant Classification Criteria Version 2. Collection method: clinical testing. Allele origin: germline. Affected: yes. Observed: 1 variant allele.
Comment: SLC2A1: PM2, PP2, PP3

NM_006516.4(SLC2A1):c.836A>T (p.Gln279Leu)

Gene: SLC2A1 (solute carrier family 2 member 1; minus strand). Cytogenetic location: 1p34.2.
Variant type: single nucleotide variant.
Coding change: c.836A>T on transcript NM_006516.4 (MANE Select); coding-DNA position 836, A replaced by T.
Protein change: p.Gln279Leu; replaces glutamine 279 with leucine.
Molecular consequence: missense variant.
Genome position (GRCh38, 1-based): chr1:42,929,624, T>A on the plus strand (A>T on the coding strand, the complement: SLC2A1 is on the minus strand). VCF-style: chr1-42929624-T-A. GRCh37 (hg19) VCF-style: chr1-43395295-T-A.
Other names: short protein forms Q279L.
Identifiers: ClinVar variation 1701104 (VCV001701104.31), dbSNP rs2124448843, ClinGen allele CA339957297.